The following is an entry in ClinVar:

NM_177438.3(DICER1):c.4072C>G (p.Arg1358Gly)

Gene: DICER1 (dicer 1, ribonuclease III; minus strand). Cytogenetic location: 14q32.13.
Variant type: single nucleotide variant.
Coding change: c.4072C>G on transcript NM_177438.3 (MANE Select); coding-DNA position 4072, C replaced by G.
Protein change: p.Arg1358Gly; replaces arginine 1358 with glycine.
Molecular consequence: missense variant. On other transcripts: non-coding transcript variant (6).
Genome position (GRCh38, 1-based): chr14:95,099,914, G>C on the plus strand (C>G on the coding strand, the complement: DICER1 is on the minus strand). VCF-style: chr14-95099914-G-C. GRCh37 (hg19) VCF-style: chr14-95566251-G-C.
Other names: c.4072C>G, p.Arg1358Gly (NM_001195573.1, NM_001271282.3, NM_001291628.2 and 12 more transcripts); c.3790C>G, p.Arg1264Gly (NM_001395686.1); c.3667C>G, p.Arg1223Gly (NM_001395687.1, NM_001395696.1, NM_001395688.1 and 2 more transcripts); c.2389C>G, p.Arg797Gly (NM_001395697.1); c.3505C>G, p.Arg1169Gly (NM_001395691.1); short protein forms R1358G, R797G, R1223G, R1169G, R1264G.
Identifiers: ClinVar variation 4746822 (VCV004746822.1).

ClinVar aggregate classification (germline): Uncertain significance (1 of 4 stars; one submission).

Conditions:
DICER1-related tumor predisposition. Also called: DICER1-related pleuropulmonary blastoma cancer predisposition syndrome; DICER1 syndrome. Identifiers: Orphanet 284343, MedGen C3839822, MONDO:0100216.

Submission:

Labcorp Genetics (formerly Invitae), Labcorp
Classification: Uncertain significance for DICER1-related tumor predisposition. Last evaluated: 2025-08-03. Review status: criteria provided, single submitter. Criteria: Invitae Variant Classification Sherloc (09022015). Collection method: clinical testing. Allele origin: germline.
Comment: This sequence change replaces arginine, which is basic and polar, with glycine, which is neutral and non-polar, at codon 1358 of the DICER1 protein (p.Arg1358Gly). This variant is not present in population databases (gnomAD no frequency). This variant has not been reported in the literature in individuals affected with DICER1-related conditions. Invitae Evidence Modeling of protein sequence and biophysical properties (such as structural, functional, and spatial information, amino acid conservation, physicochemical variation, residue mobility, and thermodynamic stability) has been performed for this missense variant. However, the output from this modeling did not meet the statistical confidence thresholds required to predict the impact of this variant on DICER1 protein function. In summary, the available evidence is currently insufficient to determine the role of this variant in disease. Therefore, it has been classified as a Variant of Uncertain Significance.